The following is an entry in ClinVar:

ClinVar aggregate classification (germline): Uncertain significance (1 of 4 stars; one submission).

Conditions:
Mucopolysaccharidosis, MPS-IV-A (MPS4A). Also called: Mucopolysaccharidosis type IV A; Mucopolysaccharidosis Type IVA; Morquio syndrome A, mild; MORQUIO SYNDROME A; MPS IVA; mucopolysaccharidosis type 4A. Identifiers: Orphanet 309297, Orphanet 582, MedGen C0086651, MONDO:0009659, OMIM 253000.

Submission:

Laboratory of Diagnosis and Therapy of Lysosomal Disorders, University of Padova
Classification: Uncertain significance for Mucopolysaccharidosis, MPS-IV-A. Last evaluated: 2021-02-01. Review status: criteria provided, single submitter. Criteria: ACMG Guidelines, 2015. Collection method: research. Allele origin: germline. Affected: yes.
Comment: Absent from gnomAD v2.1.1 (PM2_moderate); multiple lines of computational evidence support a deleterious effect on the gene (PP3_supporting)

Literature cited by the submitters: PubMed 34387910.

NM_000512.5(GALNS):c.274C>T (p.Pro92Ser)

Gene: GALNS (galactosamine (N-acetyl)-6-sulfatase; minus strand). Cytogenetic location: 16q24.3.
Variant type: single nucleotide variant.
Coding change: c.274C>T on transcript NM_000512.5 (MANE Select); coding-DNA position 274, C replaced by T.
Protein change: p.Pro92Ser; replaces proline 92 with serine.
Molecular consequence: missense variant. On other transcripts: 5 prime UTR variant (1).
Genome position (GRCh38, 1-based): chr16:88,841,942, G>A on the plus strand (C>T on the coding strand, the complement: GALNS is on the minus strand). VCF-style: chr16-88841942-G-A. GRCh37 (hg19) VCF-style: chr16-88908350-G-A.
Other names: c.-282C>T (NM_001323543.2); c.292C>T, p.Pro98Ser (NM_001323544.2); short protein forms P92S, P98S.
Identifiers: ClinVar variation 1048451 (VCV001048451.3), dbSNP rs2143005097, ClinGen allele CA397089269.
Genomic context (GRCh38, chr16:88,841,942, plus strand): 5'-CGGTGGGCAGCCTACCGTTTCTGGCATGGGCGTTGGTGGTGTAGAAGCCATTGCGGATGG[G>A]TAGCCGTCCTGTGAGCAGTGCCGCCCTCGCTATGTGGAGGTGACAGAAACAGAAACTGGA-3'
Protein context (NP_000503.1, residues 82-102): SRAALLTGRL[Pro92Ser]IRNGFYTTNA